The following is an entry in ClinVar:

ClinVar aggregate classification (germline): Uncertain significance (1 of 4 stars; one submission).

Submission:

Labcorp Genetics (formerly Invitae), Labcorp
Classification: Uncertain significance. Last evaluated: 2023-04-18. Review status: criteria provided, single submitter. Criteria: Invitae Variant Classification Sherloc (09022015). Collection method: clinical testing. Allele origin: germline.
Comment: In summary, the available evidence is currently insufficient to determine the role of this variant in disease. Therefore, it has been classified as a Variant of Uncertain Significance. Advanced modeling of protein sequence and biophysical properties (such as structural, functional, and spatial information, amino acid conservation, physicochemical variation, residue mobility, and thermodynamic stability) has been performed at Invitae for this missense variant, however the output from this modeling did not meet the statistical confidence thresholds required to predict the impact of this variant on KMT2B protein function. This variant has not been reported in the literature in individuals affected with KMT2B-related conditions. This variant is not present in population databases (gnomAD no frequency). This sequence change replaces methionine, which is neutral and non-polar, with leucine, which is neutral and non-polar, at codon 2564 of the KMT2B protein (p.Met2564Leu).

NM_014727.3(KMT2B):c.7690A>T (p.Met2564Leu)

Gene: KMT2B (lysine methyltransferase 2B; plus strand). Cytogenetic location: 19q13.12.
Variant type: single nucleotide variant.
Coding change: c.7690A>T on transcript NM_014727.3 (MANE Select); coding-DNA position 7690, A replaced by T.
Protein change: p.Met2564Leu; replaces methionine 2564 with leucine.
Molecular consequence: missense variant.
Genome position (GRCh38, 1-based): chr19:35,737,890, A>T. VCF-style: chr19-35737890-A-T. GRCh37 (hg19) VCF-style: chr19-36228791-A-T.
Other names: short protein forms M2564L.
Identifiers: ClinVar variation 2857344 (VCV002857344.3), dbSNP rs2513369032, ClinGen allele CA405438272.